The following is an entry in ClinVar:

ClinVar aggregate classification (germline): Uncertain significance (1 of 4 stars; one submission).

Conditions:
Spastic paraplegia. Identifiers: MedGen C0037772, HP:0001258.

Allele frequency attached by ClinVar (database versions not stated): gnomAD exomes 0.00002; ExAC 0.00010; gnomAD 0.00011; TOPMed 0.00011; ESP Exome Variant Server 0.00023.
gnomAD v4.1: 51 of 1,613,840 alleles (0.0032%); highest among the groups gnomAD compares: African/African-American, 0.029%; no homozygotes.

Submission:

Labcorp Genetics (formerly Invitae), Labcorp
Classification: Uncertain significance for Spastic paraplegia. Last evaluated: 2022-01-07. Review status: criteria provided, single submitter. Criteria: Invitae Variant Classification Sherloc (09022015). Collection method: clinical testing. Allele origin: germline.
Comment: This sequence change replaces aspartic acid, which is acidic and polar, with asparagine, which is neutral and polar, at codon 2127 of the ZFYVE26 protein (p.Asp2127Asn). This variant is present in population databases (rs138722104, gnomAD 0.03%). This variant has not been reported in the literature in individuals affected with ZFYVE26-related conditions. Algorithms developed to predict the effect of missense changes on protein structure and function (SIFT, PolyPhen-2, Align-GVGD) all suggest that this variant is likely to be tolerated. In summary, the available evidence is currently insufficient to determine the role of this variant in disease. Therefore, it has been classified as a Variant of Uncertain Significance.

NM_015346.4(ZFYVE26):c.6379G>A (p.Asp2127Asn)

Gene: ZFYVE26 (zinc finger FYVE-type containing 26; minus strand). Cytogenetic location: 14q24.1.
Variant type: single nucleotide variant.
Coding change: c.6379G>A on transcript NM_015346.4 (MANE Select); coding-DNA position 6379, G replaced by A.
Protein change: p.Asp2127Asn; replaces aspartic acid 2127 with asparagine.
Molecular consequence: missense variant.
Genome position (GRCh38, 1-based): chr14:67,761,575, C>T on the plus strand (G>A on the coding strand, the complement: ZFYVE26 is on the minus strand). VCF-style: chr14-67761575-C-T. GRCh37 (hg19) VCF-style: chr14-68228292-C-T.
Other names: short protein forms D2127N.
Identifiers: ClinVar variation 2055223 (VCV002055223.1), dbSNP rs138722104, ClinGen allele CA7239231.
Genomic context (GRCh38, chr14:67,761,575, plus strand): 5'-CCAGAGAAAGGCTCTGCGTCCGAAGGGTAGCTTCCAGTTCCCTCAGGGTGGCAAAGTAAT[C>T]GTCATCTTGCTGACAGCACAGGGAGCGAGAGAGAAAAATGAAACTCAAAAAGTTCTCAGC-3'
Protein context (NP_056161.2, residues 2117-2137): VRPFVSLQDD[Asp2127Asn]YFATLRELEA